The following is an entry in ClinVar:

ClinVar aggregate classification (germline): Uncertain significance (1 of 4 stars; one submission).

Conditions:
Gastrointestinal stromal tumor. Also called: Gastrointestinal stroma tumor; Gastrointestinal stromal tumor, somatic. Identifiers: Orphanet 44890, MedGen C0238198, MeSH D046152, MONDO:0011719, OMIM 606764, HP:0100723.

Submission:

Labcorp Genetics (formerly Invitae), Labcorp
Classification: Uncertain significance for Gastrointestinal stromal tumor. Last evaluated: 2020-12-23. Review status: criteria provided, single submitter. Criteria: Invitae Variant Classification Sherloc (09022015). Collection method: clinical testing. Allele origin: germline.
Comment: In summary, the available evidence is currently insufficient to determine the role of this variant in disease. Therefore, it has been classified as a Variant of Uncertain Significance. Algorithms developed to predict the effect of missense changes on protein structure and function (SIFT, PolyPhen-2, Align-GVGD) all suggest that this variant is likely to be tolerated, but these predictions have not been confirmed by published functional studies and their clinical significance is uncertain. This variant has not been reported in the literature in individuals with KIT-related conditions. This variant is not present in population databases (ExAC no frequency). This sequence change replaces glutamic acid with glycine at codon 270 of the KIT protein (p.Glu270Gly). The glutamic acid residue is moderately conserved and there is a moderate physicochemical difference between glutamic acid and glycine.

NM_000222.3(KIT):c.809A>G (p.Glu270Gly)

Gene: KIT (KIT proto-oncogene, receptor tyrosine kinase; plus strand). Cytogenetic location: 4q12.
Variant type: single nucleotide variant.
Coding change: c.809A>G on transcript NM_000222.3 (MANE Select); coding-DNA position 809, A replaced by G.
Protein change: p.Glu270Gly; replaces glutamic acid 270 with glycine.
Molecular consequence: missense variant.
Genome position (GRCh38, 1-based): chr4:54,703,776, A>G. VCF-style: chr4-54703776-A-G. GRCh37 (hg19) VCF-style: chr4-55569942-A-G.
Other names: c.809A>G, p.Glu270Gly (NM_001093772.2, NM_001385285.1, NM_001385286.1); c.812A>G, p.Glu271Gly (NM_001385284.1, NM_001385288.1, NM_001385290.1 and 1 more transcripts); short protein forms E271G, E270G.
Identifiers: ClinVar variation 1496875 (VCV001496875.8), dbSNP rs2109693173, ClinGen allele CA356899571.